The following is an entry in ClinVar:

NM_001111125.3(IQSEC2):c.566C>T (p.Ser189Leu)

Gene: IQSEC2 (IQ motif and Sec7 domain ArfGEF 2; minus strand). Cytogenetic location: Xp11.22.
Variant type: single nucleotide variant.
Coding change: c.566C>T on transcript NM_001111125.3 (MANE Select); coding-DNA position 566, C replaced by T.
Protein change: p.Ser189Leu; replaces serine 189 with leucine.
Molecular consequence: missense variant.
Genome position (GRCh38, 1-based): chrX:53,320,558, G>A on the plus strand (C>T on the coding strand, the complement: IQSEC2 is on the minus strand). VCF-style: chrX-53320558-G-A. GRCh37 (hg19) VCF-style: chrX-53349756-G-A.
Other names: c.566C>T (NM_001111125.1); short protein forms S189L.
Identifiers: ClinVar variation 859186 (VCV000859186.11), dbSNP rs1474659446, ClinGen allele CA413239059.

ClinVar aggregate classification (germline): Uncertain significance. Review status: criteria provided, multiple submitters, no conflicts (2 of 4 stars). 2 submissions from 2 submitters: Uncertain significance (2). Last evaluated 2024-12-07.

Conditions:
Intellectual developmental disorder, X-linked 1. Also called: Atkin Flaitz Patil Smith syndrome; MENTAL RETARDATION, X-LINKED 18; MENTAL RETARDATION, X-LINKED 78; Intellectual disability, X-linked 1. Identifiers: Orphanet 777, MedGen C2931498, MONDO:0010656, OMIM 309530.

Allele frequency attached by ClinVar (database versions not stated): gnomAD 0.00001; gnomAD exomes 0.00001; TOPMed 0.00003.
gnomAD v4.1: 3 of 1,155,259 alleles (0.00026%); highest among the groups gnomAD compares: African/African-American, 0.0055%; no homozygotes.

Submissions (2):

Labcorp Genetics (formerly Invitae), Labcorp
Classification: Uncertain significance for Intellectual developmental disorder, X-linked 1. Last evaluated: 2024-12-07. Review status: criteria provided, single submitter. Criteria: Invitae Variant Classification Sherloc (09022015). Collection method: clinical testing. Allele origin: germline.
Comment: This sequence change replaces serine, which is neutral and polar, with leucine, which is neutral and non-polar, at codon 189 of the IQSEC2 protein (p.Ser189Leu). This variant is not present in population databases (gnomAD no frequency). This variant has not been reported in the literature in individuals affected with IQSEC2-related conditions. ClinVar contains an entry for this variant (Variation ID: 859186). Invitae Evidence Modeling of protein sequence and biophysical properties (such as structural, functional, and spatial information, amino acid conservation, physicochemical variation, residue mobility, and thermodynamic stability) indicates that this missense variant is not expected to disrupt IQSEC2 protein function with a negative predictive value of 95%. In summary, the available evidence is currently insufficient to determine the role of this variant in disease. Therefore, it has been classified as a Variant of Uncertain Significance.

GeneDx
Classification: Uncertain significance. Last evaluated: 2024-04-26. Review status: criteria provided, single submitter. Criteria: GeneDx Variant Classification Process June 2021. Collection method: clinical testing. Allele origin: germline. Affected: yes.
Comment: Not observed at significant frequency in large population cohorts (gnomAD); In silico analysis indicates that this missense variant does not alter protein structure/function; Has not been previously published as pathogenic or benign to our knowledge